The following is an entry in ClinVar:

NM_001378120.1(MBD5):c.1510A>G (p.Met504Val)

Gene: MBD5 (methyl-CpG binding domain protein 5; plus strand). Cytogenetic location: 2q23.1.
Variant type: single nucleotide variant.
Coding change: c.1510A>G on transcript NM_001378120.1 (MANE Select); coding-DNA position 1510, A replaced by G.
Protein change: p.Met504Val; replaces methionine 504 with valine.
Molecular consequence: missense variant.
Genome position (GRCh38, 1-based): chr2:148,469,453, A>G. VCF-style: chr2-148469453-A-G. GRCh37 (hg19) VCF-style: chr2-149227022-A-G.
Other names: c.1510A>G, p.Met504Val (NM_018328.5); short protein forms M504V.
Identifiers: ClinVar variation 206071 (VCV000206071.6), dbSNP rs114251920, ClinGen allele CA315798.

ClinVar aggregate classification (germline): Uncertain significance (1 of 4 stars; one submission).

Conditions:
Intellectual developmental disorder, autosomal dominant 1. Also called: Intellectual disability, autosomal dominant 1; MBD5 Haploinsufficiency. Identifiers: Orphanet 228402, MedGen C1969562, MONDO:0007974, OMIM 156200.

Allele frequency attached by ClinVar (database versions not stated): gnomAD exomes 0.00003 and 0.00005; TOPMed 0.00003; ExAC 0.00002; gnomAD 0.00002 and 0.00003; 1000 Genomes Project 30x 0.00016; 1000 Genomes Project 0.00020.
gnomAD v4.1: 75 of 1,613,936 alleles (0.0046%); highest among the groups gnomAD compares: Non-Finnish European, 0.0058%; 1 homozygote.

Submission:

Labcorp Genetics (formerly Invitae), Labcorp
Classification: Uncertain significance for Intellectual developmental disorder, autosomal dominant 1. Last evaluated: 2022-11-08. Review status: criteria provided, single submitter. Criteria: Invitae Variant Classification Sherloc (09022015). Collection method: clinical testing. Allele origin: germline.
Comment: In summary, the available evidence is currently insufficient to determine the role of this variant in disease. Therefore, it has been classified as a Variant of Uncertain Significance. Advanced modeling of protein sequence and biophysical properties (such as structural, functional, and spatial information, amino acid conservation, physicochemical variation, residue mobility, and thermodynamic stability) performed at Invitae indicates that this missense variant is not expected to disrupt MBD5 protein function. ClinVar contains an entry for this variant (Variation ID: 206071). This variant has not been reported in the literature in individuals affected with MBD5-related conditions. This variant is present in population databases (rs114251920, gnomAD 0.006%). This sequence change replaces methionine, which is neutral and non-polar, with valine, which is neutral and non-polar, at codon 504 of the MBD5 protein (p.Met504Val).